The following is an entry in ClinVar:

ClinVar aggregate classification (germline): Uncertain significance (1 of 4 stars; one submission).

Conditions:
ALMS1-related disorder. Also called: ALMS1-related condition.

Submission:

PreventionGenetics, part of Exact Sciences
Classification: Uncertain significance for ALMS1-related condition. Last evaluated: 2023-05-04. Review status: criteria provided, single submitter. Criteria: ACMG Guidelines, 2015. Collection method: clinical testing. Allele origin: germline.
Comment: The ALMS1 c.12133C>T variant is predicted to result in the amino acid substitution p.Pro4045Ser. In an alternate transcript (NM_001378454.1), this variant is also known as c.12136C>T (p.Pro4046Ser). To our knowledge, this variant has not been reported in the literature. This variant is reported in 0.0065% of alleles in individuals of European (Non-Finnish) descent in gnomAD. At this time, the clinical significance of this variant is uncertain due to the absence of conclusive functional and genetic evidence.

NM_001378454.1(ALMS1):c.12130C>T (p.His4044Tyr)

Genes: ALMS1 (ALMS1 centrosome and basal body associated protein; plus strand), LOC126806252 (BRD4-independent group 4 enhancer GRCh37_chr2:73828496-73829695; plus strand). Cytogenetic location: 2p13.1.
Variant type: single nucleotide variant.
Coding change: c.12130C>T on transcript NM_001378454.1 (MANE Select); coding-DNA position 12130, C replaced by T.
Protein change: p.His4044Tyr; replaces histidine 4044 with tyrosine.
Molecular consequence: missense variant.
Genome position (GRCh38, 1-based): chr2:73,602,200, C>T. VCF-style: chr2-73602200-C-T. GRCh37 (hg19) VCF-style: chr2-73829327-C-T.
Other names: c.12133C>T, p.His4045Tyr (NM_015120.4); short protein forms H4044Y, H4045Y.
Identifiers: ClinVar variation 2634061 (VCV002634061.1), dbSNP rs2466525972, ClinGen allele CA347267702.